The following is an entry in ClinVar:

NM_000264.5(PTCH1):c.3916C>T (p.Pro1306Ser)

Gene: PTCH1 (patched 1; minus strand). Cytogenetic location: 9q22.32.
Variant type: single nucleotide variant.
Coding change: c.3916C>T on transcript NM_000264.5 (MANE Select); coding-DNA position 3916, C replaced by T.
Protein change: p.Pro1306Ser; replaces proline 1306 with serine.
Molecular consequence: missense variant. On other transcripts: non-coding transcript variant (1).
Genome position (GRCh38, 1-based): chr9:95,447,340, G>A on the plus strand (C>T on the coding strand, the complement: PTCH1 is on the minus strand). VCF-style: chr9-95447340-G-A. GRCh37 (hg19) VCF-style: chr9-98209622-G-A.
Other names: c.3718C>T, p.Pro1240Ser (NM_001083602.3); c.3913C>T, p.Pro1305Ser (NM_001083603.3); c.3463C>T, p.Pro1155Ser (NM_001083604.3, NM_001083605.3, NM_001083606.3 and 1 more transcripts); c.3760C>T, p.Pro1254Ser (NM_001354918.2); c.3916C>T (NM_000264.3); short protein forms P1155S, P1240S, P1254S, P1305S, P1306S.
Identifiers: ClinVar variation 999713 (VCV000999713.10), dbSNP rs1169961504, ClinGen allele CA374110668.

ClinVar aggregate classification (germline): Uncertain significance. Review status: criteria provided, multiple submitters, no conflicts (2 of 4 stars). 2 submissions from 2 submitters: Uncertain significance (2). Last evaluated 2024-10-08.

Conditions:
Hereditary cancer-predisposing syndrome. Also called: Neoplastic Syndromes, Hereditary; Hereditary neoplastic syndrome; Hereditary Cancer Syndrome; Tumor predisposition. Identifiers: Orphanet 140162, MedGen C0027672, MeSH D009386, MONDO:0015356.
Gorlin syndrome. Also called: Basal cell nevus syndrome; Nevoid Basal Cell Carcinoma Syndrome. Identifiers: Orphanet 377, MedGen C0004779, MONDO:0007187.

Allele frequency attached by ClinVar (database versions not stated): TOPMed 0.00002.
gnomAD v4.1: 1 of 1,613,478 alleles (0.000062%); highest among the groups gnomAD compares: South Asian, 0.0011%; no homozygotes.

Submissions (2):

Ambry Genetics
Classification: Uncertain significance for Hereditary cancer-predisposing syndrome. Last evaluated: 2024-10-08. Review status: criteria provided, single submitter. Criteria: Ambry Variant Classification Scheme 2023. Collection method: clinical testing. Allele origin: germline.
Comment: The p.P1306S variant (also known as c.3916C>T), located in coding exon 23 of the PTCH1 gene, results from a C to T substitution at nucleotide position 3916. The proline at codon 1306 is replaced by serine, an amino acid with similar properties. This amino acid position is poorly conserved in available vertebrate species. In addition, this alteration is predicted to be tolerated by in silico analysis. Based on the available evidence, the clinical significance of this variant remains unclear.

Labcorp Genetics (formerly Invitae), Labcorp
Classification: Uncertain significance for Gorlin syndrome. Last evaluated: 2024-05-01. Review status: criteria provided, single submitter. Criteria: Invitae Variant Classification Sherloc (09022015). Collection method: clinical testing. Allele origin: germline.
Comment: This sequence change replaces proline, which is neutral and non-polar, with serine, which is neutral and polar, at codon 1306 of the PTCH1 protein (p.Pro1306Ser). This variant is not present in population databases (gnomAD no frequency). This variant has not been reported in the literature in individuals affected with PTCH1-related conditions. ClinVar contains an entry for this variant (Variation ID: 999713). Advanced modeling of protein sequence and biophysical properties (such as structural, functional, and spatial information, amino acid conservation, physicochemical variation, residue mobility, and thermodynamic stability) performed at Invitae indicates that this missense variant is not expected to disrupt PTCH1 protein function with a negative predictive value of 95%. In summary, the available evidence is currently insufficient to determine the role of this variant in disease. Therefore, it has been classified as a Variant of Uncertain Significance.